The following is an entry in ClinVar:

NM_005920.4(MEF2D):c.598G>C (p.Ala200Pro)

Gene: MEF2D (myocyte enhancer factor 2D; minus strand). Cytogenetic location: 1q22.
Variant type: single nucleotide variant.
Coding change: c.598G>C on transcript NM_005920.4 (MANE Select); coding-DNA position 598, G replaced by C.
Protein change: p.Ala200Pro; replaces alanine 200 with proline.
Molecular consequence: missense variant.
Genome position (GRCh38, 1-based): chr1:156,479,595, C>G on the plus strand (G>C on the coding strand, the complement: MEF2D is on the minus strand). VCF-style: chr1-156479595-C-G. GRCh37 (hg19) VCF-style: chr1-156449387-C-G.
Other names: c.598G>C, p.Ala200Pro (NM_001271629.2); short protein forms A200P.
Identifiers: ClinVar variation 2629869 (VCV002629869.1), dbSNP rs2525111171, ClinGen allele CA342853633.
Genomic context (GRCh38, chr1:156,479,595, plus strand): 5'-CCCCATCACATCTCATTTCCACCTCACCTACCCACCTGCCAGCCCACTCACCCGCACTAG[C>G]TGGCCGCTGGGGCAGGCCAGGAGACACACTGTTCCTCTGTAGTGCTGGCTGCTGGGGGGA-3'
Protein context (NP_005911.1, residues 190-210): SVSPGLPQRP[Ala200Pro]SAGAMLGGDL

ClinVar aggregate classification (germline): Uncertain significance (1 of 4 stars; one submission).

Conditions:
MEF2D-related disorder. Also called: MEF2D-related condition.

Submission:

PreventionGenetics, part of Exact Sciences
Classification: Uncertain significance for MEF2D-related condition. Last evaluated: 2023-01-10. Review status: criteria provided, single submitter. Criteria: ACMG Guidelines, 2015. Collection method: clinical testing. Allele origin: germline.
Comment: The MEF2D c.598G>C variant is predicted to result in the amino acid substitution p.Ala200Pro. To our knowledge, this variant has not been reported in the literature or in a large population database, indicating this variant is rare. At this time, the clinical significance of this variant is uncertain due to the absence of conclusive functional and genetic evidence.